The following is an entry in ClinVar:

ClinVar aggregate classification (germline): Benign/Likely benign. Review status: criteria provided, multiple submitters, no conflicts (2 of 4 stars). 5 submissions from 5 submitters: Benign (1); Likely benign (4). Last evaluated 2025-03-19.

Conditions:
Hereditary cancer-predisposing syndrome. Also called: Neoplastic Syndromes, Hereditary; Hereditary neoplastic syndrome; Tumor predisposition; Hereditary Cancer Syndrome. Identifiers: Orphanet 140162, MedGen C0027672, MeSH D009386, MONDO:0015356.
Hereditary diffuse gastric adenocarcinoma (HDGC). Also called: DIFFUSE GASTRIC AND LOBULAR BREAST CANCER SYNDROME. Identifiers: Orphanet 26106, MedGen C1708349, MONDO:0007648, OMIM 137215.

Allele frequency attached by ClinVar (database versions not stated): gnomAD exomes below 0.00001; gnomAD 0.00001.
gnomAD v4.1: 2 of 1,614,060 alleles (0.00012%); highest among the groups gnomAD compares: African/African-American, 0.0027%; no homozygotes.

Submissions (5):

Labcorp Genetics (formerly Invitae), Labcorp
Classification: Likely benign for Hereditary diffuse gastric adenocarcinoma. Last evaluated: 2025-03-19. Review status: criteria provided, single submitter. Criteria: Invitae Variant Classification Sherloc (09022015). Collection method: clinical testing. Allele origin: germline.

Myriad Genetics, Inc.
Classification: Benign for Hereditary diffuse gastric adenocarcinoma. Last evaluated: 2024-09-17. Review status: criteria provided, single submitter. Criteria: Myriad Autosomal Dominant, Autosomal Recessive and X-Linked Classification Criteria (2023). Collection method: clinical testing. Allele origin: unknown.
Comment: This variant is considered benign. This variant is a silent/synonymous amino acid change and it is not expected to impact splicing.

CeGaT Center for Human Genetics Tuebingen
Classification: Likely benign. Last evaluated: 2022-05-01. Review status: criteria provided, single submitter. Criteria: Praxis fuer Humangenetik Tuebingen - Variant Classification Criteria. Collection method: clinical testing. Allele origin: germline. Affected: yes. Observed: 1 variant allele.

GeneDx
Classification: Likely benign. Last evaluated: 2016-02-17. Review status: criteria provided, single submitter. Criteria: GeneDx Variant Classification (06012015). Collection method: clinical testing. Allele origin: germline. Affected: yes.
Comment: This variant is considered likely benign or benign based on one or more of the following criteria: it is a conservative change, it occurs at a poorly conserved position in the protein, it is predicted to be benign by multiple in silico algorithms, and/or has population frequency not consistent with disease.

Ambry Genetics
Classification: Likely benign for Hereditary cancer-predisposing syndrome. Last evaluated: 2015-12-10. Review status: criteria provided, single submitter. Criteria: Ambry Variant Classification Scheme 2023. Collection method: clinical testing. Allele origin: germline.

NM_004360.5(CDH1):c.1083T>C (p.Ala361=)

Gene: CDH1 (cadherin 1; plus strand). Cytogenetic location: 16q22.1.
Variant type: single nucleotide variant.
Coding change: c.1083T>C on transcript NM_004360.5 (MANE Select); coding-DNA position 1083, T replaced by C.
Protein change: p.Ala361=; no amino-acid change (alanine 361 retained).
Molecular consequence: synonymous variant. On other transcripts: 5 prime UTR variant (2).
Genome position (GRCh38, 1-based): chr16:68,812,209, T>C. VCF-style: chr16-68812209-T-C. GRCh37 (hg19) VCF-style: chr16-68846112-T-C.
Other names: c.1083T>C, p.Ala361= (NM_001317184.2); c.-533T>C (NM_001317185.2); c.-737T>C (NM_001317186.2); c.1083T>C (LRG_301t1).
Identifiers: ClinVar variation 384054 (VCV000384054.16), dbSNP rs1057521835, ClinGen allele CA16607360.
Genomic context (GRCh38, chr16:68,812,209, plus strand): 5'-TACCCTGGTGGTTCAAGCTGCTGACCTTCAAGGTGAGGGGTTAAGCACAACAGCAACAGC[T>C]GTGATCACAGTCACTGACACCAACGATAATCCTCCGATCTTCAATCCCACCACGGTAATT-3'
Protein context (NP_004351.1, residues 351-371): QGEGLSTTAT[Ala361=]VITVTDTNDN